The following is an entry in ClinVar:

NM_000059.4(BRCA2):c.4831G>T (p.Val1611Leu)

Gene: BRCA2 (BRCA2 DNA repair associated; plus strand). Cytogenetic location: 13q13.1.
Variant type: single nucleotide variant.
Coding change: c.4831G>T on transcript NM_000059.4 (MANE Select); coding-DNA position 4831, G replaced by T.
Protein change: p.Val1611Leu; replaces valine 1611 with leucine.
Molecular consequence: missense variant.
Genome position (GRCh38, 1-based): chr13:32,339,186, G>T. VCF-style: chr13-32339186-G-T. GRCh37 (hg19) VCF-style: chr13-32913323-G-T.
Other names: short protein forms V1611L.
Identifiers: ClinVar variation 462360 (VCV000462360.11), dbSNP rs1555283948, ClinGen allele CA387783324.

ClinVar aggregate classification (germline): Conflicting classifications of pathogenicity. Review status: criteria provided, conflicting classifications (1 of 4 stars). 3 submissions from 3 submitters: Uncertain significance (2); Likely benign (1). Last evaluated 2025-07-28.

Conditions:
Hereditary cancer-predisposing syndrome. Also called: Neoplastic Syndromes, Hereditary; Hereditary Cancer Syndrome; Hereditary neoplastic syndrome; Tumor predisposition. Identifiers: Orphanet 140162, MedGen C0027672, MeSH D009386, MONDO:0015356.
Hereditary breast ovarian cancer syndrome. Also called: Hereditary breast and ovarian cancer syndrome (HBOC); Hereditary breast and ovarian cancer syndrome; Breast and ovarian cancer; Hereditary breast and/or ovarian cancer syndrome; Hereditary breast and ovarian cancer; BRCA1- and BRCA2-Associated Hereditary Breast and Ovarian Cancer. Identifiers: Orphanet 145, MedGen C0677776, MeSH D061325, MONDO:0003582. Disease mechanism: loss of function.

Allele frequency attached by ClinVar (database versions not stated): gnomAD exomes below 0.00001.
gnomAD v4.1: 1 of 1,613,588 alleles (0.000062%); highest among the groups gnomAD compares: African/African-American, 0.0013%; no homozygotes.

Submissions (3):

Ambry Genetics
Classification: Uncertain significance for Hereditary cancer-predisposing syndrome. Last evaluated: 2025-07-28. Review status: criteria provided, single submitter. Criteria: Ambry Variant Classification Scheme 2023. Collection method: clinical testing. Allele origin: germline.
Comment: The p.V1611L variant (also known as c.4831G>T), located in coding exon 10 of the BRCA2 gene, results from a G to T substitution at nucleotide position 4831. The valine at codon 1611 is replaced by leucine, an amino acid with highly similar properties. This amino acid position is conserved. In addition, this alteration is predicted to be tolerated by in silico analysis. Based on the available evidence, the clinical significance of this variant remains unclear.

University of Washington Department of Laboratory Medicine, University of Washington
Classification: Likely benign for Hereditary cancer-predisposing syndrome. Last evaluated: 2023-03-23. Review status: criteria provided, single submitter. Criteria: Dines et al. (Genet Med. 2020). Collection method: curation. Allele origin: germline.
Comment: Missense variant in a coldspot region where missense variants are very unlikely to be pathogenic (PMID:31911673).

BRCA2 exon 11 coldspot. Reclassification based on statistical prior probability.

Labcorp Genetics (formerly Invitae), Labcorp
Classification: Uncertain significance for Hereditary breast ovarian cancer syndrome. Last evaluated: 2017-01-21. Review status: criteria provided, single submitter. Criteria: Invitae Variant Classification Sherloc (09022015). Collection method: clinical testing. Allele origin: germline.
Comment: This sequence change replaces valine with leucine at codon 1611 of the BRCA2 protein (p.Val1611Leu). The valine residue is weakly conserved and there is a small physicochemical difference between valine and leucine. This variant is not present in population databases (ExAC no frequency) and has not been reported in the literature in individuals with a BRCA2-related disease. Algorithms developed to predict the effect of missense changes on protein structure and function (SIFT, PolyPhen-2, Align-GVGD) all suggest that this variant is likely to be tolerated, but these predictions have not been confirmed by published functional studies. In summary, this variant is a novel missense change that is not predicted to affect protein function. There is no indication that it causes disease, but the available evidence is currently insufficient to prove that conclusively. Therefore, it has been classified as a Variant of Uncertain Significance.